The following is an entry in ClinVar:

NM_006922.4(SCN3A):c.1234T>C (p.Ser412Pro)

Gene: SCN3A (sodium voltage-gated channel alpha subunit 3; minus strand). Cytogenetic location: 2q24.3.
Variant type: single nucleotide variant.
Coding change: c.1234T>C on transcript NM_006922.4 (MANE Select); coding-DNA position 1234, T replaced by C.
Protein change: p.Ser412Pro; replaces serine 412 with proline.
Molecular consequence: missense variant.
Genome position (GRCh38, 1-based): chr2:165,154,598, A>G on the plus strand (T>C on the coding strand, the complement: SCN3A is on the minus strand). VCF-style: chr2-165154598-A-G. GRCh37 (hg19) VCF-style: chr2-166011108-A-G.
Other names: c.1234T>C, p.Ser412Pro (NM_001081676.2, NM_001081677.2); short protein forms S412P.
Identifiers: ClinVar variation 2504688 (VCV002504688.1), dbSNP rs2468415646, ClinGen allele CA349238203.

ClinVar aggregate classification (germline): Uncertain significance (1 of 4 stars; one submission).

Submission:

GeneDx
Classification: Uncertain significance. Last evaluated: 2022-12-09. Review status: criteria provided, single submitter. Criteria: GeneDx Variant Classification Process June 2021. Collection method: clinical testing. Allele origin: germline. Affected: yes.
Comment: Not observed at significant frequency in large population cohorts (gnomAD); In silico analysis supports that this missense variant has a deleterious effect on protein structure/function; Has not been previously published as pathogenic or benign to our knowledge